The following is an entry in ClinVar:

NM_001364905.1(LRBA):c.4442T>C (p.Leu1481Ser)

Gene: LRBA (LPS responsive beige-like anchor protein; minus strand). Cytogenetic location: 4q31.3.
Variant type: single nucleotide variant.
Coding change: c.4442T>C on transcript NM_001364905.1 (MANE Select); coding-DNA position 4442, T replaced by C.
Protein change: p.Leu1481Ser; replaces leucine 1481 with serine.
Molecular consequence: missense variant.
Genome position (GRCh38, 1-based): chr4:150,844,677, A>G on the plus strand (T>C on the coding strand, the complement: LRBA is on the minus strand). VCF-style: chr4-150844677-A-G. GRCh37 (hg19) VCF-style: chr4-151765829-A-G.
Other names: c.4442T>C, p.Leu1481Ser (NM_001199282.3, NM_001367550.1, NM_006726.5); short protein forms L1481S.
Identifiers: ClinVar variation 1053989 (VCV001053989.8), dbSNP rs2126887309, ClinGen allele CA358450816.

ClinVar aggregate classification (germline): Uncertain significance (1 of 4 stars; one submission).

Conditions:
Combined immunodeficiency due to LRBA deficiency. Also called: Common variable immunodeficiency 8, with autoimmunity. Identifiers: Orphanet 445018, MedGen C3553512, MONDO:0013863, OMIM 614700.

Submission:

Labcorp Genetics (formerly Invitae), Labcorp
Classification: Uncertain significance for Combined immunodeficiency due to LRBA deficiency. Last evaluated: 2020-03-09. Review status: criteria provided, single submitter. Criteria: Invitae Variant Classification Sherloc (09022015). Collection method: clinical testing. Allele origin: germline.
Comment: In summary, the available evidence is currently insufficient to determine the role of this variant in disease. Therefore, it has been classified as a Variant of Uncertain Significance. Algorithms developed to predict the effect of missense changes on protein structure and function (SIFT, PolyPhen-2, Align-GVGD) all suggest that this variant is likely to be tolerated, but these predictions have not been confirmed by published functional studies and their clinical significance is uncertain. This sequence change replaces leucine with serine at codon 1481 of the LRBA protein (p.Leu1481Ser). The leucine residue is weakly conserved and there is a large physicochemical difference between leucine and serine. This variant is not present in population databases (ExAC no frequency). This variant has not been reported in the literature in individuals with LRBA-related conditions.